The following is an entry in ClinVar:

NM_006206.6(PDGFRA):c.2531T>C (p.Met844Thr)

Gene: PDGFRA (platelet derived growth factor receptor alpha; plus strand). Cytogenetic location: 4q12.
Variant type: single nucleotide variant.
Coding change: c.2531T>C on transcript NM_006206.6 (MANE Select); coding-DNA position 2531, T replaced by C.
Protein change: p.Met844Thr; replaces methionine 844 with threonine.
Molecular consequence: missense variant.
Genome position (GRCh38, 1-based): chr4:54,285,932, T>C. VCF-style: chr4-54285932-T-C. GRCh37 (hg19) VCF-style: chr4-55152099-T-C.
Other names: c.2606T>C, p.Met869Thr (NM_001347828.2); c.2531T>C, p.Met844Thr (NM_001347829.2); c.2570T>C, p.Met857Thr (NM_001347830.2); short protein forms M869T, M844T, M857T.
Identifiers: ClinVar variation 821444 (VCV000821444.13), dbSNP rs758210670, ClinGen allele CA2922881.

ClinVar aggregate classification (germline): Uncertain significance. Review status: criteria provided, multiple submitters, no conflicts (2 of 4 stars). 2 submissions from 2 submitters: Uncertain significance (2). Last evaluated 2025-09-28.

Conditions:
Gastrointestinal stromal tumor. Also called: Gastrointestinal stromal tumor, somatic; Gastrointestinal stroma tumor. Identifiers: Orphanet 44890, MedGen C0238198, MeSH D046152, MONDO:0011719, OMIM 606764, HP:0100723.
Hereditary cancer-predisposing syndrome. Also called: Neoplastic Syndromes, Hereditary; Hereditary Cancer Syndrome; Hereditary neoplastic syndrome; Tumor predisposition. Identifiers: Orphanet 140162, MedGen C0027672, MeSH D009386, MONDO:0015356.

Allele frequency attached by ClinVar (database versions not stated): gnomAD exomes below 0.00001; ExAC 0.00001; gnomAD 0.00001.

Submissions (2):

Ambry Genetics
Classification: Uncertain significance for Hereditary cancer-predisposing syndrome. Last evaluated: 2025-09-28. Review status: criteria provided, single submitter. Criteria: Ambry Variant Classification Scheme 2023. Collection method: clinical testing. Allele origin: germline.
Comment: The p.M844T variant (also known as c.2531T>C), located in coding exon 17 of the PDGFRA gene, results from a T to C substitution at nucleotide position 2531. The methionine at codon 844 is replaced by threonine, an amino acid with similar properties. This amino acid position is highly conserved in available vertebrate species. In addition, this alteration is predicted to be deleterious by in silico analysis. Since supporting evidence is limited at this time, the clinical significance of this alteration remains unclear.

Labcorp Genetics (formerly Invitae), Labcorp
Classification: Uncertain significance for Gastrointestinal stromal tumor. Last evaluated: 2024-11-29. Review status: criteria provided, single submitter. Criteria: Invitae Variant Classification Sherloc (09022015). Collection method: clinical testing. Allele origin: germline.
Comment: This sequence change replaces methionine, which is neutral and non-polar, with threonine, which is neutral and polar, at codon 844 of the PDGFRA protein (p.Met844Thr). This variant is present in population databases (rs758210670, gnomAD 0.003%). This variant has not been reported in the literature in individuals affected with PDGFRA-related conditions. ClinVar contains an entry for this variant (Variation ID: 821444). Invitae Evidence Modeling of protein sequence and biophysical properties (such as structural, functional, and spatial information, amino acid conservation, physicochemical variation, residue mobility, and thermodynamic stability) indicates that this missense variant is not expected to disrupt PDGFRA protein function with a negative predictive value of 80%. In summary, the available evidence is currently insufficient to determine the role of this variant in disease. Therefore, it has been classified as a Variant of Uncertain Significance.